The following is an entry in ClinVar:

ClinVar aggregate classification (germline): Uncertain significance. Review status: criteria provided, multiple submitters, no conflicts (2 of 4 stars). 4 submissions from 4 submitters: Uncertain significance (4). Last evaluated 2024-07-01.

Conditions:
Epidermolysis bullosa simplex 3, localized or generalized intermediate, with BP230 deficiency (EBS3). Also called: Epidermolysis bullosa simplex due to BP230 deficiency; Epidermolysis bullosa simplex, autosomal recessive 2. Identifiers: Orphanet 412181, MedGen C3809470, MONDO:0014180, OMIM 615425.
Hereditary sensory and autonomic neuropathy type 6. Also called: HSAN VI; Neuropathy, hereditary sensory and autonomic, type VI. Identifiers: Orphanet 314381, MedGen C3539003, MONDO:0013839, OMIM 614653.

Allele frequency attached by ClinVar (database versions not stated): gnomAD 0.00003; gnomAD exomes 0.00003 and 0.00005; ExAC 0.00004; TOPMed 0.00006.
gnomAD v4.1: 52 of 1,613,854 alleles (0.0032%); highest among the groups gnomAD compares: Admixed American, 0.023%; no homozygotes.

Submissions (4):

CeGaT Center for Human Genetics Tuebingen
Classification: Uncertain significance. Last evaluated: 2024-07-01. Review status: criteria provided, single submitter. Criteria: CeGaT Center For Human Genetics Tuebingen Variant Classification Criteria Version 2. Collection method: clinical testing. Allele origin: germline. Affected: yes. Observed: 1 variant allele.
Comment: DST: PM2

Mayo Clinic Laboratories, Mayo Clinic
Classification: Uncertain significance. Last evaluated: 2023-05-04. Review status: criteria provided, single submitter. Criteria: ACMG Guidelines, 2015. Collection method: clinical testing. Allele origin: germline. Observed: 1 variant allele.
Comment: PM2

Labcorp Genetics (formerly Invitae), Labcorp
Classification: Uncertain significance for Epidermolysis bullosa simplex 3, localized or generalized intermediate, with BP230 deficiency; Hereditary sensory and autonomic neuropathy type 6. Last evaluated: 2022-07-15. Review status: criteria provided, single submitter. Criteria: Invitae Variant Classification Sherloc (09022015). Collection method: clinical testing. Allele origin: germline.
Comment: The DST gene has multiple clinically relevant transcripts. This variant occurs in alternate transcript NM_015548.4, and corresponds to NM_001723.5:c.*62960G>A in the primary transcript. This sequence change replaces glycine, which is neutral and non-polar, with glutamic acid, which is acidic and polar, at codon 2789 of the DST protein (p.Gly2789Glu). This variant is present in population databases (rs775546048, gnomAD 0.03%). This variant has not been reported in the literature in individuals affected with DST-related conditions. Experimental studies and prediction algorithms are not available or were not evaluated, and the functional significance of this variant is currently unknown. In summary, the available evidence is currently insufficient to determine the role of this variant in disease. Therefore, it has been classified as a Variant of Uncertain Significance.

Breakthrough Genomics
Classification: Uncertain significance. Review status: criteria provided, single submitter. Criteria: ACMG Guidelines, 2015. Collection method: not provided. Allele origin: germline. Inheritance: Autosomal recessive inheritance. Affected: yes.

NM_001374736.1(DST):c.16235G>A (p.Gly5412Glu)

Gene: DST (dystonin; minus strand). Cytogenetic location: 6p12.1.
Variant type: single nucleotide variant.
Coding change: c.16235G>A on transcript NM_001374736.1 (MANE Select); coding-DNA position 16235, G replaced by A.
Protein change: p.Gly5412Glu; replaces glycine 5412 with glutamic acid.
Molecular consequence: missense variant.
Genome position (GRCh38, 1-based): chr6:56,552,557, C>T on the plus strand (G>A on the coding strand, the complement: DST is on the minus strand). VCF-style: chr6-56552557-C-T. GRCh37 (hg19) VCF-style: chr6-56417355-C-T.
Other names: p.Gly3293Glu; c.9878G>A, p.Gly3293Glu (NM_001144769.5); c.9464G>A, p.Gly3155Glu (NM_001144770.2); c.16235G>A, p.Gly5412Glu (NM_001374722.1); c.15602G>A, p.Gly5201Glu (NM_001374729.1); c.9344G>A, p.Gly3115Glu (NM_001374730.1, NM_001386100.1, NM_183380.4); c.16262G>A, p.Gly5421Glu (NM_001374734.1); c.8366G>A, p.Gly2789Glu (NM_015548.5); and 1 more; short protein forms G2789E, G3115E, G3155E, G3293E, G5201E, G5412E, G5421E.
Identifiers: ClinVar variation 1020542 (VCV001020542.25), dbSNP rs775546048, ClinGen allele CA3867707.
Genomic context (GRCh38, chr6:56,552,557, plus strand): 5'-AGTTTCTTTAGAAAGGCTTTTATAGTTTCCTTTTGCTTTTGCAATGTTTCTGCATCTCTC[C>T]CCACTGGAGCCATGCTATCCAGTTCATCATCAAACTCTGCGAACTGAGAAAACATTTCTC-3'
Protein context (NP_001361665.1, residues 5402-5422): DDELDSMAPV[Gly5412Glu]RDAETLQKQK